The following is an entry in ClinVar:

ClinVar aggregate classification (germline): Benign (1 of 4 stars; one submission).

Conditions:
Vesicoureteral reflux 2 (VUR2). Identifiers: Orphanet 289365, MedGen C1970483, MONDO:0012573, OMIM 610878.

Allele frequency attached by ClinVar (database versions not stated): TOPMed 0.00087; gnomAD 0.00093 and 0.00096; 1000 Genomes Project 30x 0.00094; 1000 Genomes Project 0.00100.

Submission:

Illumina Laboratory Services, Illumina
Classification: Benign for Vesicoureteral reflux 2. Last evaluated: 2018-01-12. Review status: criteria provided, single submitter. Criteria: ICSL Variant Classification Criteria 13 December 2019. Collection method: clinical testing. Allele origin: germline.
Comment: This variant was observed in the ICSL laboratory as part of a predisposition screen in an ostensibly healthy population. It had not been previously curated by ICSL or reported in the Human Gene Mutation Database (HGMD: prior to June 1st, 2018), and was therefore a candidate for classification through an automated scoring system. Utilizing variant allele frequency, disease prevalence and penetrance estimates, and inheritance mode, an automated score was calculated to assess if this variant is too frequent to cause the disease. Based on the score and internal cut-off values, a variant classified as benign is not then subjected to further curation. The score for this variant resulted in a classification of benign for this disease.

NM_001395656.1(ROBO2):c.*2675C>G

Gene: ROBO2 (roundabout guidance receptor 2; plus strand). Cytogenetic location: 3p12.3.
Variant type: single nucleotide variant.
Coding change: c.*2675C>G on transcript NM_001395656.1 (MANE Select); 2675 bases downstream of the stop codon, C replaced by G.
Molecular consequence: 3 prime UTR variant.
Genome position (GRCh38, 1-based): chr3:77,648,730, C>G. VCF-style: chr3-77648730-C-G. GRCh37 (hg19) VCF-style: chr3-77697881-C-G.
Other names: c.*2675C>G (NM_001128929.3, NM_001290039.2, NM_001290040.2 and 14 more transcripts); c.*2672C>G (NM_001378194.1, NM_001378196.1, NM_001378199.1 and 3 more transcripts).
Identifiers: ClinVar variation 346753 (VCV000346753.6), dbSNP rs183103458, ClinGen allele CA10619613.